The following is an entry in ClinVar:

ClinVar aggregate classification (germline): Likely pathogenic (1 of 4 stars; one submission).

Submission:

Dasa
Classification: Likely pathogenic. Last evaluated: 2025-08-08. Review status: criteria provided, single submitter. Criteria: DASA Assertion Criteria. Collection method: clinical testing. Allele origin: germline.
Comment: NM_002860.4(ALDH18A1):c.1917_1923+8del is a splice-region variant predicted to affect normal RNA splicing. This variant is absent from population databases. Based on the currently available evidence, this variant is classified as likely pathogenic.

NM_002860.4(ALDH18A1):c.1917_1923+8del

Gene: ALDH18A1 (aldehyde dehydrogenase 18 family member A1; minus strand). Cytogenetic location: 10q24.1.
Variant type: Deletion.
Coding change: c.1917_1923+8del on transcript NM_002860.4 (MANE Select); coding-DNA position 1917 through 8 bases into the intron after coding-DNA position 1923, 15 bases deleted (GGAACAGGTAAGAGT).
Molecular consequence: splice donor variant.
Genome position (GRCh38, 1-based): chr10:95,613,734-95,613,748, ACTCTTACCTGTTCC deleted on the plus strand (GGAACAGGTAAGAGT on the coding strand, the reverse complement: ALDH18A1 is on the minus strand); deleting any 15 consecutive bases within chr10:95,613,734-95,613,753 gives the same sequence; the c. name uses the placement nearest the transcript's 3' end. VCF-style (leftmost placement, unchanged base first): chr10-95613733-AACTCTTACCTGTTCC-A. GRCh37 (hg19) VCF-style: chr10-97373490-AACTCTTACCTGTTCC-A.
Other names: c.1281_1287+8del (NM_001323419.2); c.1584_1590+8del (NM_001323412.2, NM_001323416.2); c.1812_1818+8del (NM_001323417.2); c.1911_1917+8del (NM_001017423.2, NM_001323415.2); c.1578_1584+8del (NM_001323418.2); c.1917_1923+8del (NM_001323413.2, NM_001323414.2).
Identifiers: ClinVar variation 4880804 (VCV004880804.2).